The following is an entry in ClinVar:

NM_003743.5(NCOA1):c.1700A>G (p.Gln567Arg)

Gene: NCOA1 (nuclear receptor coactivator 1; plus strand). Cytogenetic location: 2p23.3.
Variant type: single nucleotide variant.
Coding change: c.1700A>G on transcript NM_003743.5 (MANE Select); coding-DNA position 1700, A replaced by G.
Protein change: p.Gln567Arg; replaces glutamine 567 with arginine.
Molecular consequence: missense variant.
Genome position (GRCh38, 1-based): chr2:24,707,170, A>G. VCF-style: chr2-24707170-A-G. GRCh37 (hg19) VCF-style: chr2-24930039-A-G.
Other names: c.1700A>G, p.Gln567Arg (NM_001362950.1, NM_001362952.1, NM_001362954.1 and 3 more transcripts); short protein forms Q567R.
Identifiers: ClinVar variation 2547260 (VCV002547260.3), dbSNP rs761656585, ClinGen allele CA1552299.
Genomic context (GRCh38, chr2:24,707,170, plus strand): 5'-GACCCAATAACTCCGTTGGCTTCTCTGCCAGTTCTCCAGTCCTCAGGCAGATGAGCTCAC[A>G]GAATTCACCTAGCAGATTAAATATACAACCAGCAAAAGCTGAGTCCAAAGATAACAAAGA-3'
Protein context (NP_003734.3, residues 557-577): SSPVLRQMSS[Gln567Arg]NSPSRLNIQP

ClinVar aggregate classification (germline): Uncertain significance. Review status: criteria provided, single submitter (1 of 4 stars). 2 submissions from 2 submitters: Uncertain significance (1). 1 of the submissions does not count toward it. Last evaluated 2023-05-17.

Conditions:
NCOA1-related disorder. Also called: NCOA1-related condition.

Allele frequency attached by ClinVar (database versions not stated): gnomAD exomes below 0.00001; ExAC 0.00002; TOPMed 0.00004; gnomAD 0.00005.
gnomAD v4.1: 15 of 1,614,116 alleles (0.00093%); highest among the groups gnomAD compares: African/African-American, 0.016%; no homozygotes.

Submissions (2):

Ambry Genetics
Classification: Uncertain significance. Last evaluated: 2023-05-17. Review status: criteria provided, single submitter. Criteria: Ambry Variant Classification Scheme 2023. Collection method: clinical testing. Allele origin: germline.

PreventionGenetics, part of Exact Sciences
Classification: Uncertain significance for NCOA1-related condition. Last evaluated: 2024-03-14. Review status: no assertion criteria provided. Collection method: clinical testing. Allele origin: germline. Not counted in ClinVar's aggregate classification.
Comment: The NCOA1 c.1700A>G variant is predicted to result in the amino acid substitution p.Gln567Arg. To our knowledge, this variant has not been reported in the literature. This variant is reported in 0.016% of alleles in individuals of African descent in gnomAD. At this time, the clinical significance of this variant is uncertain due to the absence of conclusive functional and genetic evidence.